The following is an entry in ClinVar:

ClinVar aggregate classification (germline): Likely benign. Review status: criteria provided, multiple submitters, no conflicts (2 of 4 stars). 3 submissions from 3 submitters: Likely benign (2). 1 of the submissions does not count toward it. Last evaluated 2025-08-01.

Conditions:
NRXN3-related disorder. Also called: NRXN3-related condition.

Allele frequency attached by ClinVar (database versions not stated): 1000 Genomes Project 0.00120; ExAC 0.00124; TOPMed 0.00147; ESP Exome Variant Server 0.00154; 1000 Genomes Project 30x 0.00156; gnomAD 0.00164; gnomAD exomes 0.00220.
gnomAD v4.1: 3,395 of 1,614,004 alleles (0.21%); highest among the groups gnomAD compares: Non-Finnish European, 0.26%; 6 homozygotes.

Submissions (3):

CeGaT Center for Human Genetics Tuebingen
Classification: Likely benign. Last evaluated: 2025-08-01. Review status: criteria provided, single submitter. Criteria: CeGaT Center For Human Genetics Tuebingen Variant Classification Criteria Version 2. Collection method: clinical testing. Allele origin: germline. Affected: yes. Observed: 1 variant allele.
Comment: NRXN3: BP4, BS1

Blueprint Genetics
Classification: Likely benign. Last evaluated: 2024-11-27. Review status: criteria provided, single submitter. Criteria: ACMG Guidelines, 2015. Collection method: clinical testing. Allele origin: germline.

PreventionGenetics, part of Exact Sciences
Classification: Likely benign for NRXN3-related condition. Last evaluated: 2022-02-16. Review status: no assertion criteria provided. Collection method: clinical testing. Allele origin: germline. Not counted in ClinVar's aggregate classification.
Comment: This variant is classified as likely benign based on ACMG/AMP sequence variant interpretation guidelines (Richards et al. 2015 PMID: 25741868, with internal and published modifications).

NM_001330195.2(NRXN3):c.3263-186911G>A

Gene: NRXN3 (neurexin 3; plus strand). Cytogenetic location: 14q31.1.
Variant type: single nucleotide variant.
Coding change: c.3263-186911G>A on transcript NM_001330195.2 (MANE Select); 186911 bases into the intron before coding-DNA position 3263, G replaced by A.
Molecular consequence: intron variant. On other transcripts: missense variant (3), non-coding transcript variant (1).
Genome position (GRCh38, 1-based): chr14:79,280,310, G>A. VCF-style: chr14-79280310-G-A. GRCh37 (hg19) VCF-style: chr14-79746653-G-A.
Other names: c.19G>A, p.Ala7Thr (NM_001105250.3, NM_001272020.2, NM_138970.5); c.3275-186911G>A (NM_001366426.1); c.3263-186911G>A (NM_001366425.1); c.2144-186911G>A (NM_004796.6); short protein forms A7T.
Identifiers: ClinVar variation 3041801 (VCV003041801.11), dbSNP rs141234557, ClinGen allele CA7292171.
Genomic context (GRCh38, chr14:79,280,310, plus strand): 5'-GGAATTCAAACTGCCCATCTGTAGTGGTCCCGTGCGTTGACCATGCACCTGAGAATCCAC[G>A]CGAGACGGAGCCCTCCTCGCCGGCCGGCCTGGACGCTTGGGATCTGGTTCCTGTTCTGGG-3'